The following is an entry in ClinVar:

NM_001083962.2(TCF4):c.1870C>T (p.Gln624Ter)

Gene: TCF4 (transcription factor 4; minus strand). Cytogenetic location: 18q21.2.
Variant type: single nucleotide variant.
Coding change: c.1870C>T on transcript NM_001083962.2 (MANE Select); coding-DNA position 1870, C replaced by T.
Protein change: p.Gln624Ter; replaces glutamine 624 with a stop codon.
Molecular consequence: nonsense.
Genome position (GRCh38, 1-based): chr18:55,228,856, G>A on the plus strand (C>T on the coding strand, the complement: TCF4 is on the minus strand). VCF-style: chr18-55228856-G-A. GRCh37 (hg19) VCF-style: chr18-52896087-G-A.
Other names: c.2176C>T, p.Gln726Ter (NM_001243226.3); c.1798C>T, p.Gln600Ter (NM_001243227.2, NM_001348217.1, NM_001348218.2 and 1 more transcripts); c.1888C>T, p.Gln630Ter (NM_001243228.2); c.1849C>T, p.Gln617Ter (NM_001243230.2); c.1732C>T, p.Gln578Ter (NM_001243231.2); c.1657C>T, p.Gln553Ter (NM_001243232.1); c.1468C>T, p.Gln490Ter (NM_001243233.2, NM_001348212.2); c.1390C>T, p.Gln464Ter (NM_001243234.2, NM_001348216.2); and 14 more; short protein forms Q408*, Q494*, Q549*, Q582*, Q619*, Q623*, Q459*, Q464*.
Identifiers: ClinVar variation 4719918 (VCV004719918.2).

ClinVar aggregate classification (germline): Pathogenic/Likely pathogenic. Review status: criteria provided, multiple submitters, no conflicts (2 of 4 stars). 2 submissions from 2 submitters: Pathogenic (1); Likely pathogenic (1). Last evaluated 2025-05-21.

Conditions:
Pitt-Hopkins syndrome (PTHS). Also called: ENCEPHALOPATHY, SEVERE EPILEPTIC, WITH AUTONOMIC DYSFUNCTION; MENTAL RETARDATION, SYNDROMAL, WITH INTERMITTENT HYPERVENTILATION. Identifiers: Orphanet 2896, MedGen C1970431, MONDO:0012589, OMIM 610954.
TCF4-related disorder. Also called: TCF4-related condition.

Submissions (2):

Labcorp Genetics (formerly Invitae), Labcorp
Classification: Pathogenic for Pitt-Hopkins syndrome. Last evaluated: 2025-05-21. Review status: criteria provided, single submitter. Criteria: Invitae Variant Classification Sherloc (09022015). Collection method: clinical testing. Allele origin: germline.
Comment: This sequence change creates a premature translational stop signal (p.Gln624*) in the TCF4 gene. It is expected to result in an absent or disrupted protein product. Loss-of-function variants in TCF4 are known to be pathogenic (PMID: 18728071, 22045651). This variant is not present in population databases (gnomAD no frequency). This variant has not been reported in the literature in individuals affected with TCF4-related conditions. Algorithms developed to predict the effect of sequence changes on RNA splicing suggest that this variant may disrupt the consensus splice site. For these reasons, this variant has been classified as Pathogenic.

Blueprint Genetics
Classification: Likely pathogenic for TCF4-related disorders. Last evaluated: 2022-02-18. Review status: criteria provided, single submitter. Criteria: ACMG Guidelines, 2015. Collection method: clinical testing. Allele origin: germline. Affected: yes. Observed: 1 variant allele.

Literature cited by the submitters: PubMed 18728071 (cited by Labcorp Genetics (formerly Invitae), Labcorp); PubMed 22045651 (cited by Labcorp Genetics (formerly Invitae), Labcorp).